The following is an entry in ClinVar:

ClinVar aggregate classification (germline): Uncertain significance (1 of 4 stars; one submission).

Conditions:
Cortical dysplasia-focal epilepsy syndrome (PTHSL1). Also called: Pitt-Hopkins-like syndrome 1. Identifiers: Orphanet 163681, Orphanet 221150, MedGen C2750246, MONDO:0012400, OMIM 610042.

Submission:

Labcorp Genetics (formerly Invitae), Labcorp
Classification: Uncertain significance for Cortical dysplasia-focal epilepsy syndrome. Last evaluated: 2021-08-22. Review status: criteria provided, single submitter. Criteria: Invitae Variant Classification Sherloc (09022015). Collection method: clinical testing. Allele origin: germline.
Comment: This variant has not been reported in the literature in individuals affected with CNTNAP2-related conditions. This sequence change replaces valine with leucine at codon 547 of the CNTNAP2 protein (p.Val547Leu). The valine residue is moderately conserved and there is a small physicochemical difference between valine and leucine. This variant is not present in population databases (ExAC no frequency). Algorithms developed to predict the effect of missense changes on protein structure and function are either unavailable or do not agree on the potential impact of this missense change (SIFT: "Deleterious"; PolyPhen-2: "Benign"; Align-GVGD: "Class C0"). In summary, the available evidence is currently insufficient to determine the role of this variant in disease. Therefore, it has been classified as a Variant of Uncertain Significance.

NM_014141.6(CNTNAP2):c.1639G>C (p.Val547Leu)

Gene: CNTNAP2 (contactin associated protein 2; plus strand). Cytogenetic location: 7q35.
Variant type: single nucleotide variant.
Coding change: c.1639G>C on transcript NM_014141.6 (MANE Select); coding-DNA position 1639, G replaced by C.
Protein change: p.Val547Leu; replaces valine 547 with leucine.
Molecular consequence: missense variant.
Genome position (GRCh38, 1-based): chr7:147,395,749, G>C. VCF-style: chr7-147395749-G-C. GRCh37 (hg19) VCF-style: chr7-147092841-G-C.
Other names: short protein forms V547L.
Identifiers: ClinVar variation 1376904 (VCV001376904.6), dbSNP rs1796802371, ClinGen allele CA369925687.
Genomic context (GRCh38, chr7:147,395,749, plus strand): 5'-GACGATCAACTTGTAAATTTATACGAAGTGGCACAAAGGAAGCCGGGAAGTTTCGCGAAT[G>C]TCAGCATTGACATGTGTGCGATCATAGACAGGTAAATGATCTTTTCATCCTACCTCACGT-3'
Protein context (NP_054860.1, residues 537-557): AQRKPGSFAN[Val547Leu]SIDMCAIIDR